The following is an entry in ClinVar:

NM_000732.6(CD3D):c.418C>A (p.Gln140Lys)

Gene: CD3D (CD3 delta subunit of T-cell receptor complex; minus strand). Cytogenetic location: 11q23.3.
Variant type: single nucleotide variant.
Coding change: c.418C>A on transcript NM_000732.6 (MANE Select); coding-DNA position 418, C replaced by A.
Protein change: p.Gln140Lys; replaces glutamine 140 with lysine.
Molecular consequence: missense variant.
Genome position (GRCh38, 1-based): chr11:118,339,483, G>T on the plus strand (C>A on the coding strand, the complement: CD3D is on the minus strand). VCF-style: chr11-118339483-G-T. GRCh37 (hg19) VCF-style: chr11-118210198-G-T.
Other names: c.286C>A, p.Gln96Lys (NM_001040651.2); short protein forms Q140K, Q96K.
Identifiers: ClinVar variation 541673 (VCV000541673.12), dbSNP rs201126605, ClinGen allele CA6301883.
Genomic context (GRCh38, chr11:118,339,483, plus strand): 5'-TTCCTGCCTCCTTCCCCTCAACGCTCACCTGATAGACCTGGTCATTCCTCAACAGAGCTT[G>T]TGTGTCGGCAGCTAGAAGAACCAGAGAGAGACATCAATGGCCTAGCAGATGGGACTGTGA-3'
Protein context (NP_000723.1, residues 130-150): TGRLSGAADT[Gln140Lys]ALLRNDQVYQ

ClinVar aggregate classification (germline): Uncertain significance. Review status: criteria provided, multiple submitters, no conflicts (2 of 4 stars). 3 submissions from 3 submitters: Uncertain significance (3). Last evaluated 2025-01-13.

Conditions:
Immunodeficiency 19 (IMD19). Also called: CD3-DELTA DEFICIENCY; SEVERE COMBINED IMMUNODEFICIENCY, T CELL-NEGATIVE, B CELL-POSITIVE, NK CELL-POSITIVE; SCID, T CELL-NEGATIVE, B CELL-POSITIVE, NK CELL-POSITIVE; IMMUNODEFICIENCY 19, SEVERE COMBINED. Identifiers: MedGen C3810147, MONDO:0014280, OMIM 615617.

Allele frequency attached by ClinVar (database versions not stated): gnomAD 0.00007 and 0.00010; TOPMed 0.00009; ExAC 0.00010; gnomAD exomes 0.00011; 1000 Genomes Project 0.00020; 1000 Genomes Project 30x 0.00031.
gnomAD v4.1: 73 of 1,614,104 alleles (0.0045%); highest among the groups gnomAD compares: East Asian, 0.12%; no homozygotes.

Submissions (3):

Labcorp Genetics (formerly Invitae), Labcorp
Classification: Uncertain significance for Immunodeficiency 19. Last evaluated: 2025-01-13. Review status: criteria provided, single submitter. Criteria: Invitae Variant Classification Sherloc (09022015). Collection method: clinical testing. Allele origin: germline.
Comment: This sequence change replaces glutamine, which is neutral and polar, with lysine, which is basic and polar, at codon 140 of the CD3D protein (p.Gln140Lys). This variant is present in population databases (rs201126605, gnomAD 0.1%). This variant has not been reported in the literature in individuals affected with CD3D-related conditions. ClinVar contains an entry for this variant (Variation ID: 541673). An algorithm developed to predict the effect of missense changes on protein structure and function (PolyPhen-2) suggests that this variant¬†is likely to be tolerated. In summary, the available evidence is currently insufficient to determine the role of this variant in disease. Therefore, it has been classified as a Variant of Uncertain Significance.

Blueprint Genetics
Classification: Uncertain significance. Last evaluated: 2024-11-25. Review status: criteria provided, single submitter. Criteria: ACMG Guidelines, 2015. Collection method: clinical testing. Allele origin: germline.

Illumina Laboratory Services, Illumina
Classification: Uncertain significance for Immunodeficiency 19. Last evaluated: 2018-01-13. Review status: criteria provided, single submitter. Criteria: ICSL Variant Classification Criteria 13 December 2019. Collection method: clinical testing. Allele origin: germline.